The following is an entry in ClinVar:

NM_152490.5(B3GALNT2):c.555+5G>A

Gene: B3GALNT2 (beta-1,3-N-acetylgalactosaminyltransferase 2; minus strand). Cytogenetic location: 1q42.3.
Variant type: single nucleotide variant.
Coding change: c.555+5G>A on transcript NM_152490.5 (MANE Select); 5 bases into the intron after coding-DNA position 555, G replaced by A.
Molecular consequence: intron variant.
Genome position (GRCh38, 1-based): chr1:235,484,317, C>T on the plus strand (G>A on the coding strand, the complement: B3GALNT2 is on the minus strand). VCF-style: chr1-235484317-C-T. GRCh37 (hg19) VCF-style: chr1-235647633-C-T.
Other names: c.678+5G>A (NM_001277155.3); c.555+5G>A (NM_152490.2).
Identifiers: ClinVar variation 960130 (VCV000960130.5), dbSNP rs373909279, ClinGen allele CA1464886.

ClinVar aggregate classification (germline): Uncertain significance. Review status: criteria provided, multiple submitters, no conflicts (2 of 4 stars). 2 submissions from 2 submitters: Uncertain significance (2). Last evaluated 2024-10-18.

Conditions:
Muscular dystrophy-dystroglycanopathy (congenital with brain and eye anomalies), type a, 11 (MDDGA11). Also called: Congenital muscular dystrophy-dystroglycanopathy with brain and eye anomalies, type A11; WALKER-WARBURG SYNDROME OR MUSCLE-EYE-BRAIN DISEASE, B3GALNT2-RELATED; Muscular dystrophy-dystroglycanopathy (congenital with brain and eye anomalies, type A, 11. Identifiers: Orphanet 588, Orphanet 899, MedGen C3554638, MONDO:0014071, OMIM 615181.
Inborn genetic diseases. Identifiers: MedGen C0950123, MeSH D030342.

Allele frequency attached by ClinVar (database versions not stated): gnomAD 0.00001; TOPMed 0.00001; gnomAD exomes 0.00002 and 0.00004; ExAC 0.00004; ESP Exome Variant Server 0.00008.
gnomAD v4.1: 58 of 1,612,602 alleles (0.0036%); highest among the groups gnomAD compares: Middle Eastern, 0.017%; no homozygotes.

Submissions (2):

Labcorp Genetics (formerly Invitae), Labcorp
Classification: Uncertain significance for Muscular dystrophy-dystroglycanopathy (congenital with brain and eye anomalies), type a, 11. Last evaluated: 2024-10-18. Review status: criteria provided, single submitter. Criteria: Invitae Variant Classification Sherloc (09022015). Collection method: clinical testing. Allele origin: germline.
Comment: This sequence change falls in intron 4 of the B3GALNT2 gene. It does not directly change the encoded amino acid sequence of the B3GALNT2 protein. It affects a nucleotide within the consensus splice site. This variant is present in population databases (rs373909279, gnomAD 0.005%). This variant has not been reported in the literature in individuals affected with B3GALNT2-related conditions. ClinVar contains an entry for this variant (Variation ID: 960130). Variants that disrupt the consensus splice site are a relatively common cause of aberrant splicing (PMID: 17576681, 9536098). Algorithms developed to predict the effect of sequence changes on RNA splicing suggest that this variant is not likely to affect RNA splicing. In summary, the available evidence is currently insufficient to determine the role of this variant in disease. Therefore, it has been classified as a Variant of Uncertain Significance.

Ambry Genetics
Classification: Uncertain significance for Inborn genetic diseases. Last evaluated: 2021-11-05. Review status: criteria provided, single submitter. Criteria: Ambry Variant Classification Scheme 2023. Collection method: clinical testing. Allele origin: germline.
Comment: The c.555+5G>A intronic alteration consists of a G to A substitution 5 nucleotides after exon 4 of the B3GALNT2 gene. Based on insufficient or conflicting evidence, the clinical significance of this alteration remains unclear.

Literature cited by the submitters: PubMed 17576681 (cited by Labcorp Genetics (formerly Invitae), Labcorp); PubMed 9536098 (cited by Labcorp Genetics (formerly Invitae), Labcorp).